The following is an entry in ClinVar:

ClinVar aggregate classification (germline): Uncertain significance (1 of 4 stars; one submission).

Conditions:
Intellectual developmental disorder with or without epilepsy or cerebellar ataxia. Identifiers: MedGen C4748041, MONDO:0060745, OMIM 618060.

Submission:

MVZ Medizinische Genetik Mainz
Classification: Uncertain significance for Intellectual developmental disorder with or without epilepsy or cerebellar ataxia. Last evaluated: 2022-05-31. Review status: criteria provided, single submitter. Criteria: UK Practice Guidelines For Variant Classification V4 01 2020. Collection method: clinical testing. Allele origin: germline. Inheritance: Autosomal dominant inheritance. Affected: yes. Observed: 1 variant allele.
Comment: ACMG Criteria: PM4, PM2_SUP

NM_134261.3(RORA):c.1571A>T (p.Ter524Leu)

Genes: RORA (RAR related orphan receptor A; minus strand), RORA-AS1 (RORA antisense RNA 1; plus strand). Cytogenetic location: 15q22.2.
Variant type: single nucleotide variant.
Coding change: c.1571A>T on transcript NM_134261.3 (MANE Select); coding-DNA position 1571, A replaced by T.
Protein change: p.Ter524Leu.
Molecular consequence: stop lost.
Genome position (GRCh38, 1-based): chr15:60,497,456, T>A on the plus strand (A>T on the coding strand, the complement: RORA is on the minus strand). VCF-style: chr15-60497456-T-A. GRCh37 (hg19) VCF-style: chr15-60789655-T-A.
Other names: c.1646A>T, p.Ter549Leu (NM_002943.4); c.1670A>T, p.Ter557Leu (NM_134260.3); c.1406A>T, p.Ter469Leu (NM_134262.3).
Identifiers: ClinVar variation 3234024 (VCV003234024.1), dbSNP rs1286381308, ClinGen allele CA392666669.